The following is an entry in ClinVar:

ClinVar aggregate classification (germline): Uncertain significance (1 of 4 stars; one submission).

Conditions:
Alstrom syndrome (ALMS). Identifiers: Orphanet 64, MedGen C0268425, MONDO:0008763, OMIM 203800.

Allele frequency attached by ClinVar (database versions not stated): TOPMed 0.00001.

Submission:

Labcorp Genetics (formerly Invitae), Labcorp
Classification: Uncertain significance for Alstrom syndrome. Last evaluated: 2024-08-05. Review status: criteria provided, single submitter. Criteria: Invitae Variant Classification Sherloc (09022015). Collection method: clinical testing. Allele origin: germline.
Comment: This sequence change replaces valine, which is neutral and non-polar, with alanine, which is neutral and non-polar, at codon 1409 of the ALMS1 protein (p.Val1409Ala). This variant is not present in population databases (gnomAD no frequency). This variant has not been reported in the literature in individuals affected with ALMS1-related conditions. ClinVar contains an entry for this variant (Variation ID: 1371721). Experimental studies and prediction algorithms are not available or were not evaluated, and the functional significance of this variant is currently unknown. In summary, the available evidence is currently insufficient to determine the role of this variant in disease. Therefore, it has been classified as a Variant of Uncertain Significance.

NM_001378454.1(ALMS1):c.4223T>C (p.Val1408Ala)

Gene: ALMS1 (ALMS1 centrosome and basal body associated protein; plus strand). Cytogenetic location: 2p13.1.
Variant type: single nucleotide variant.
Coding change: c.4223T>C on transcript NM_001378454.1 (MANE Select); coding-DNA position 4223, T replaced by C.
Protein change: p.Val1408Ala; replaces valine 1408 with alanine.
Molecular consequence: missense variant.
Genome position (GRCh38, 1-based): chr2:73,450,750, T>C. VCF-style: chr2-73450750-T-C. GRCh37 (hg19) VCF-style: chr2-73677877-T-C.
Other names: c.4226T>C, p.Val1409Ala (NM_015120.4); short protein forms V1408A, V1409A.
Identifiers: ClinVar variation 1371721 (VCV001371721.7), dbSNP rs750124571, ClinGen allele CA1713662.